The following is an entry in ClinVar:

ClinVar aggregate classification (germline): Uncertain significance (1 of 4 stars; one submission).

Conditions:
PLXNA4-related disorder. Also called: PLXNA4-related condition.

gnomAD v4.1: 1 of 1,614,040 alleles (0.000062%); highest among the groups gnomAD compares: Non-Finnish European, 0.000085%; no homozygotes.

Submission:

PreventionGenetics, part of Exact Sciences
Classification: Uncertain significance for PLXNA4-related condition. Last evaluated: 2026-04-04. Review status: criteria provided, single submitter. Criteria: ACMG Guidelines, 2015. Collection method: clinical testing. Allele origin: germline.
Comment: The PLXNA4 c.4141C>T variant is predicted to result in the amino acid substitution p.Arg1381Cys. To our knowledge, this variant has not been reported in the literature. This variant is reported in 0.011% of alleles in individuals of African descent in gnomAD. At this time, the clinical significance of this variant is uncertain due to the absence of conclusive functional and genetic evidence.

NM_020911.2(PLXNA4):c.4141C>T (p.Arg1381Cys)

Gene: PLXNA4 (plexin A4; minus strand). Cytogenetic location: 7q32.3.
Variant type: single nucleotide variant.
Coding change: c.4141C>T on transcript NM_020911.2 (MANE Select); coding-DNA position 4141, C replaced by T.
Protein change: p.Arg1381Cys; replaces arginine 1381 with cysteine.
Molecular consequence: missense variant.
Genome position (GRCh38, 1-based): chr7:132,168,449, G>A on the plus strand (C>T on the coding strand, the complement: PLXNA4 is on the minus strand). VCF-style: chr7-132168449-G-A. GRCh37 (hg19) VCF-style: chr7-131853208-G-A.
Other names: c.4141C>T, p.Arg1381Cys (NM_001393897.1); short protein forms R1381C.
Identifiers: ClinVar variation 4990968 (VCV004990968.1).